The following is an entry in ClinVar:

ClinVar aggregate classification (germline): Uncertain significance (1 of 4 stars; one submission).

Conditions:
Charcot-Marie-Tooth disease, type I (CMT1). Also called: Charcot-Marie-Tooth disease type 1; Charcot-Marie-Tooth, Type 1. Identifiers: Orphanet 65753, MedGen C0751036, MONDO:0019011.

Submission:

Labcorp Genetics (formerly Invitae), Labcorp
Classification: Uncertain significance for Charcot-Marie-Tooth disease, type I. Last evaluated: 2019-07-02. Review status: criteria provided, single submitter. Criteria: Invitae Variant Classification Sherloc (09022015). Collection method: clinical testing. Allele origin: germline.
Comment: This sequence change results in a premature translational stop signal in the EGR2 gene (p.Gln122*). While this is not anticipated to result in nonsense mediated decay, it is expected to disrupt the last 355 amino acids of the EGR2 protein. This variant is not present in population databases (ExAC no frequency). In summary, the available evidence is currently insufficient to determine the role of this variant in disease. Therefore, it has been classified as a Variant of Uncertain Significance.

NM_000399.5(EGR2):c.364C>T (p.Gln122Ter)

Gene: EGR2 (early growth response 2; minus strand). Cytogenetic location: 10q21.3.
Variant type: single nucleotide variant.
Coding change: c.364C>T on transcript NM_000399.5 (MANE Select); coding-DNA position 364, C replaced by T.
Protein change: p.Gln122Ter; replaces glutamine 122 with a stop codon.
Molecular consequence: nonsense.
Genome position (GRCh38, 1-based): chr10:62,814,274, G>A on the plus strand (C>T on the coding strand, the complement: EGR2 is on the minus strand). VCF-style: chr10-62814274-G-A. GRCh37 (hg19) VCF-style: chr10-64574034-G-A.
Other names: c.364C>T, p.Gln122Ter (NM_001136177.3, NM_001136178.2); c.214C>T, p.Gln72Ter (NM_001136179.3, NM_001321037.2); short protein forms Q122*, Q72*.
Identifiers: ClinVar variation 942351 (VCV000942351.1), dbSNP rs1842206449, ClinGen allele CA377031104.